The following is an entry in ClinVar:

ClinVar aggregate classification (germline): Uncertain significance. Review status: criteria provided, multiple submitters, no conflicts (2 of 4 stars). 2 submissions from 2 submitters: Uncertain significance (2). Last evaluated 2024-08-16.

Conditions:
Inborn genetic diseases. Identifiers: MedGen C0950123, MeSH D030342.
Glanzmann thrombasthenia. Also called: BLEEDING DISORDER, PLATELET-TYPE, 2; THROMBASTHENIA OF GLANZMANN AND NAEGELI; PLATELET GLYCOPROTEIN IIb-IIIa DEFICIENCY; Glanzmann's thrombasthenia; Thrombasthenia. Identifiers: Orphanet 849, MedGen C0040015, MONDO:0100326.

Submissions (2):

Labcorp Genetics (formerly Invitae), Labcorp
Classification: Uncertain significance for Glanzmann thrombasthenia. Last evaluated: 2024-08-16. Review status: criteria provided, single submitter. Criteria: Invitae Variant Classification Sherloc (09022015). Collection method: clinical testing. Allele origin: germline.
Comment: This sequence change replaces alanine, which is neutral and non-polar, with threonine, which is neutral and polar, at codon 500 of the ITGA2B protein (p.Ala500Thr). This variant is not present in population databases (gnomAD no frequency). This variant has not been reported in the literature in individuals affected with ITGA2B-related conditions. ClinVar contains an entry for this variant (Variation ID: 2389047). Invitae Evidence Modeling of protein sequence and biophysical properties (such as structural, functional, and spatial information, amino acid conservation, physicochemical variation, residue mobility, and thermodynamic stability) indicates that this missense variant is not expected to disrupt ITGA2B protein function with a negative predictive value of 80%. In summary, the available evidence is currently insufficient to determine the role of this variant in disease. Therefore, it has been classified as a Variant of Uncertain Significance.

Ambry Genetics
Classification: Uncertain significance for Inborn genetic diseases. Last evaluated: 2022-07-13. Review status: criteria provided, single submitter. Criteria: Ambry Variant Classification Scheme 2023. Collection method: clinical testing. Allele origin: germline.

NM_000419.5(ITGA2B):c.1498G>A (p.Ala500Thr)

Gene: ITGA2B (integrin subunit alpha 2b; minus strand). Cytogenetic location: 17q21.31.
Variant type: single nucleotide variant.
Coding change: c.1498G>A on transcript NM_000419.5 (MANE Select); coding-DNA position 1498, G replaced by A.
Protein change: p.Ala500Thr; replaces alanine 500 with threonine.
Molecular consequence: missense variant.
Genome position (GRCh38, 1-based): chr17:44,380,432, C>T on the plus strand (G>A on the coding strand, the complement: ITGA2B is on the minus strand). VCF-style: chr17-44380432-C-T. GRCh37 (hg19) VCF-style: chr17-42457800-C-T.
Other names: short protein forms A500T.
Identifiers: ClinVar variation 2389047 (VCV002389047.4), dbSNP rs2510079830, ClinGen allele CA399802690.